The following is an entry in ClinVar:

ClinVar aggregate classification (germline): Benign. Review status: criteria provided, single submitter (1 of 4 stars). 2 submissions from 1 submitter: Benign (2). Last evaluated 2018-01-13.

Conditions:
Fanconi anemia complementation group B (FANCB). Also called: FANCB-Related Fanconi Anemia; FANCONI PANCYTOPENIA, TYPE 2. Identifiers: Orphanet 84, MedGen C1845292, MONDO:0010351, OMIM 300514.
VACTERL association, X-linked, with or without hydrocephalus (VACTERLX). Also called: VACTERL-H, X-LINKED; VACTERL Association with Hydrocephalus, X-linked; X-linked VACTERL-H syndrome; VACTERL ASSOCIATION, X-LINKED. Identifiers: Orphanet 3412, MedGen C2931228, MONDO:0010752, OMIM 314390.

Allele frequency attached by ClinVar (database versions not stated): gnomAD 0.00068; TOPMed 0.00116; ESP Exome Variant Server 0.00124; 1000 Genomes Project 0.00132; 1000 Genomes Project 30x 0.00146; gnomAD exomes 0.00176; ExAC 0.00229.
gnomAD v4.1: 1,656 of 1,067,493 alleles (0.16%); highest among the groups gnomAD compares: Admixed American, 0.35%; 5 homozygotes.

Submissions (2):

Illumina Laboratory Services, Illumina
Classification: Benign for VACTERL association with hydrocephaly, X-linked. Last evaluated: 2018-01-13. Review status: criteria provided, single submitter. Criteria: ICSL Variant Classification Criteria 13 December 2019. Collection method: clinical testing. Allele origin: germline.
Comment: This variant was observed in the ICSL laboratory as part of a predisposition screen in an ostensibly healthy population. It had not been previously curated by ICSL or reported in the Human Gene Mutation Database (HGMD: prior to June 1st, 2018), and was therefore a candidate for classification through an automated scoring system. Utilizing variant allele frequency, disease prevalence and penetrance estimates, and inheritance mode, an automated score was calculated to assess if this variant is too frequent to cause the disease. Based on the score and internal cut-off values, a variant classified as benign is not then subjected to further curation. The score for this variant resulted in a classification of benign for this disease.

Illumina Laboratory Services, Illumina
Classification: Benign for Fanconi anemia complementation group B. Last evaluated: 2018-01-13. Review status: criteria provided, single submitter. Criteria: ICSL Variant Classification Criteria 13 December 2019. Collection method: clinical testing. Allele origin: germline.
Comment: the same text as in the submission from Illumina Laboratory Services, Illumina above.

NM_001018113.3(FANCB):c.*33T>C

Gene: FANCB (FA complementation group B; minus strand). Cytogenetic location: Xp22.2.
Variant type: single nucleotide variant.
Coding change: c.*33T>C on transcript NM_001018113.3 (MANE Select); 33 bases downstream of the stop codon, T replaced by C.
Molecular consequence: 3 prime UTR variant.
Genome position (GRCh38, 1-based): chrX:14,843,534, A>G on the plus strand (T>C on the coding strand, the complement: FANCB is on the minus strand). VCF-style: chrX-14843534-A-G. GRCh37 (hg19) VCF-style: chrX-14861656-A-G.
Other names: c.*33T>C (NM_001324162.2, NM_152633.4).
Identifiers: ClinVar variation 368019 (VCV000368019.5), dbSNP rs187611308, ClinGen allele CA10352894.